The following is an entry in ClinVar:

NM_000548.5(TSC2):c.2838-1G>A

Gene: TSC2 (TSC complex subunit 2; plus strand). Cytogenetic location: 16p13.3.
Variant type: single nucleotide variant.
Coding change: c.2838-1G>A on transcript NM_000548.5 (MANE Select); the canonical splice acceptor site of the intron before coding-DNA position 2838, G replaced by A.
Molecular consequence: splice acceptor variant. On other transcripts: intron variant (31).
Genome position (GRCh38, 1-based): chr16:2,077,597, G>A. VCF-style: chr16-2077597-G-A. GRCh37 (hg19) VCF-style: chr16-2127598-G-A.
Other names: c.1493+1012G>A (NM_001406693.1, NM_001406690.1, NM_001406692.1 and 5 more transcripts); c.2927+1012G>A (NM_001406667.1, NM_001406668.1); c.2238-1G>A (NM_001406680.1, NM_001406683.1, NM_001406682.1 and 1 more transcripts); c.2237+1012G>A (NM_001406687.1, NM_001406685.1, NM_001318831.2 and 2 more transcripts); c.1494-1G>A (NM_001406689.1); c.1235+1012G>A (NM_001406698.1); c.2838-1G>A (NM_001114382.3, NM_001406663.1, NM_001406664.1); c.2837+1012G>A (NM_021055.3, NM_001370405.1, NM_001363528.2 and 3 more transcripts); and 8 more.
Identifiers: ClinVar variation 4720847 (VCV004720847.1).

ClinVar aggregate classification (germline): Uncertain significance (1 of 4 stars; one submission).

Conditions:
Tuberous sclerosis 2 (TSC2). Identifiers: Orphanet 805, MedGen C1860707, MONDO:0013199, OMIM 613254.

Submission:

Labcorp Genetics (formerly Invitae), Labcorp
Classification: Uncertain significance for Tuberous sclerosis 2. Last evaluated: 2025-06-06. Review status: criteria provided, single submitter. Criteria: Invitae Variant Classification Sherloc (09022015). Collection method: clinical testing. Allele origin: germline.
Comment: This sequence change affects an acceptor splice site in intron 25 of the TSC2 gene. Loss-of-function variants in TSC2 are known to be pathogenic (PMID: 10205261, 17304050). However, tissue-specific alternative splicing of TSC2 gene results in a functional isoform lacking in-frame exon 26 (also known as exon 25, PMID: 26703369). For this reason the clinical significance of loss of function variants in exon 26 is currently uncertain. This variant is not present in population databases (gnomAD no frequency). This variant has not been reported in the literature in individuals affected with TSC2-related conditions. Variants that disrupt the consensus splice site are a relatively common cause of aberrant splicing (PMID: 17576681, 9536098). In summary, the available evidence is currently insufficient to determine the role of this variant in disease. Therefore, it has been classified as a Variant of Uncertain Significance.

Literature cited by the submitters: PubMed 10205261; PubMed 17304050; PubMed 17576681; PubMed 9536098.